The following is an entry in ClinVar:

ClinVar aggregate classification (germline): Uncertain significance. Review status: criteria provided, multiple submitters, no conflicts (2 of 4 stars). 2 submissions from 2 submitters: Uncertain significance (2).

Conditions:
Osteogenesis imperfecta type 6. Also called: Osteogenesis imperfecta, type VI. Identifiers: Orphanet 666, MedGen C3279564, MONDO:0013515, OMIM 613982.

Allele frequency attached by ClinVar (database versions not stated): gnomAD exomes below 0.00001; ExAC 0.00001.

Submissions (2):

Kasturba Medical College, Manipal, Kasturba Medical College, Manipal, Manipal Academy of Higher Education, Manipal, India
Classification: Uncertain significance for Osteogenesis imperfecta type 6. Review status: criteria provided, single submitter. Criteria: ACMG Guidelines, 2015. Collection method: research. Allele origin: biparental. Inheritance: Autosomal recessive inheritance. Affected: yes. Observed: 1 homozygote.
Comment: The variant is not observed in gnomAD database and our in-house data of 1063 exomes. In-silico analysis tools (MutationTaster, LRT and SIFT) are consistent in predicting that the variant is damaging to SERPINF1 protein function.

Suma Genomics
Classification: Uncertain significance for Osteogenesis imperfecta type 6. Review status: criteria provided, single submitter. Criteria: ACMG Guidelines, 2015. Collection method: clinical testing. Allele origin: inherited. Inheritance: Autosomal recessive inheritance. Affected: yes.

NM_002615.7(SERPINF1):c.194T>C (p.Leu65Pro)

Genes: SERPINF1 (serpin family F member 1; plus strand), LOC130059891 (ATAC-STARR-seq lymphoblastoid active region 11456; plus strand). Cytogenetic location: 17p13.3.
Variant type: single nucleotide variant.
Coding change: c.194T>C on transcript NM_002615.7 (MANE Select); coding-DNA position 194, T replaced by C.
Protein change: p.Leu65Pro; replaces leucine 65 with proline.
Molecular consequence: missense variant. On other transcripts: 5 prime UTR variant (1).
Genome position (GRCh38, 1-based): chr17:1,769,961, T>C. VCF-style: chr17-1769961-T-C. GRCh37 (hg19) VCF-style: chr17-1673255-T-C.
Other names: c.194T>C, p.Leu65Pro (NM_001329903.2); c.-368T>C (NM_001329904.2); short protein forms L65P.
Identifiers: ClinVar variation 2413177 (VCV002413177.7), dbSNP rs760504051, ClinGen allele CA8274566.